The following is an entry in ClinVar:

ClinVar aggregate classification (germline): Uncertain significance (1 of 4 stars; one submission).

Conditions:
Hereditary cancer-predisposing syndrome. Also called: Tumor predisposition; Hereditary neoplastic syndrome; Neoplastic Syndromes, Hereditary; Hereditary Cancer Syndrome. Identifiers: Orphanet 140162, MedGen C0027672, MeSH D009386, MONDO:0015356.

Submission:

Ambry Genetics
Classification: Uncertain significance for Hereditary cancer-predisposing syndrome. Last evaluated: 2025-06-01. Review status: criteria provided, single submitter. Criteria: Ambry Variant Classification Scheme 2023. Collection method: clinical testing. Allele origin: germline.
Comment: The p.E1734A variant (also known as c.5201A>C), located in coding exon 10 of the BRCA2 gene, results from an A to C substitution at nucleotide position 5201. The glutamic acid at codon 1734 is replaced by alanine, an amino acid with dissimilar properties. This amino acid position is conserved. In addition, this alteration is predicted to be tolerated by in silico analysis. Based on the available evidence, the clinical significance of this variant remains unclear.

NM_000059.4(BRCA2):c.5201A>C (p.Glu1734Ala)

Gene: BRCA2 (BRCA2 DNA repair associated; plus strand). Cytogenetic location: 13q13.1.
Variant type: single nucleotide variant.
Coding change: c.5201A>C on transcript NM_000059.4 (MANE Select); coding-DNA position 5201, A replaced by C.
Protein change: p.Glu1734Ala; replaces glutamic acid 1734 with alanine.
Molecular consequence: missense variant. On other transcripts: non-coding transcript variant (1), intron variant (2).
Genome position (GRCh38, 1-based): chr13:32,339,556, A>C. VCF-style: chr13-32339556-A-C. GRCh37 (hg19) VCF-style: chr13-32913693-A-C.
Other names: c.5201A>C, p.Glu1734Ala (NM_001406719.1, NM_001406720.1, NM_001432077.1); c.1910-5002A>C (NM_001406721.1); c.425-5002A>C (NM_001406722.1); short protein forms E1734A.
Identifiers: ClinVar variation 3992864 (VCV003992864.1).